The following is an entry in ClinVar:

NM_006445.4(PRPF8):c.623A>G (p.Tyr208Cys)

Gene: PRPF8 (pre-mRNA processing factor 8; minus strand). Cytogenetic location: 17p13.3.
Variant type: single nucleotide variant.
Coding change: c.623A>G on transcript NM_006445.4 (MANE Select); coding-DNA position 623, A replaced by G.
Protein change: p.Tyr208Cys; replaces tyrosine 208 with cysteine.
Molecular consequence: missense variant.
Genome position (GRCh38, 1-based): chr17:1,681,850, T>C on the plus strand (A>G on the coding strand, the complement: PRPF8 is on the minus strand). VCF-style: chr17-1681850-T-C. GRCh37 (hg19) VCF-style: chr17-1585144-T-C.
Other names: short protein forms Y208C.
Identifiers: ClinVar variation 1511005 (VCV001511005.9), dbSNP rs1335593452, ClinGen allele CA397568535.

ClinVar aggregate classification (germline): Uncertain significance. Review status: criteria provided, multiple submitters, no conflicts (2 of 4 stars). 2 submissions from 2 submitters: Uncertain significance (2). Last evaluated 2024-10-29.

Allele frequency attached by ClinVar (database versions not stated): gnomAD exomes 0.00001 and 0.00003; gnomAD 0.00002 and 0.00003; TOPMed 0.00003.
gnomAD v4.1: 23 of 1,613,876 alleles (0.0014%); highest among the groups gnomAD compares: African/African-American, 0.004%; no homozygotes.

Submissions (2):

Labcorp Genetics (formerly Invitae), Labcorp
Classification: Uncertain significance. Last evaluated: 2024-10-29. Review status: criteria provided, single submitter. Criteria: Invitae Variant Classification Sherloc (09022015). Collection method: clinical testing. Allele origin: germline.
Comment: This sequence change replaces tyrosine, which is neutral and polar, with cysteine, which is neutral and slightly polar, at codon 208 of the PRPF8 protein (p.Tyr208Cys). This variant is present in population databases (no rsID available, gnomAD 0.007%). This variant has not been reported in the literature in individuals affected with PRPF8-related conditions. ClinVar contains an entry for this variant (Variation ID: 1511005). Invitae Evidence Modeling of protein sequence and biophysical properties (such as structural, functional, and spatial information, amino acid conservation, physicochemical variation, residue mobility, and thermodynamic stability) indicates that this missense variant is expected to disrupt PRPF8 protein function with a positive predictive value of 80%. In summary, the available evidence is currently insufficient to determine the role of this variant in disease. Therefore, it has been classified as a Variant of Uncertain Significance.

Blueprint Genetics
Classification: Uncertain significance. Last evaluated: 2021-09-26. Review status: criteria provided, single submitter. Criteria: ACMG Guidelines, 2015. Collection method: clinical testing. Allele origin: germline.